The following is an entry in ClinVar:

ClinVar aggregate classification (germline): Pathogenic (1 of 4 stars; one submission).

Conditions:
Arrhythmogenic cardiomyopathy with wooly hair and keratoderma. Also called: PALMOPLANTAR KERATODERMA WITH LEFT VENTRICULAR CARDIOMYOPATHY AND WOOLLY HAIR; Carvajal syndrome; Dilated cardiomyopathy with woolly hair and keratoderma; Arrhythmogenic cardiomyopathy with woolly hair and keratoderma. Identifiers: Orphanet 65282, MedGen C1854063, MONDO:0011581, OMIM 605676.
Arrhythmogenic right ventricular dysplasia 8 (ARVD8). Also called: Arrhythmogenic Right Ventricular Dysplasia/Cardiomyopathy 8; ARRHYTHMOGENIC RIGHT VENTRICULAR DYSPLASIA, FAMILIAL, 8; ARRHYTHMOGENIC RIGHT VENTRICULAR CARDIOMYOPATHY 8. Identifiers: MedGen C1843896, MONDO:0011831, OMIM 607450.

Submission:

Labcorp Genetics (formerly Invitae), Labcorp
Classification: Pathogenic for Arrhythmogenic cardiomyopathy with wooly hair and keratoderma; Arrhythmogenic right ventricular dysplasia 8. Last evaluated: 2024-09-28. Review status: criteria provided, single submitter. Criteria: Invitae Variant Classification Sherloc (09022015). Collection method: clinical testing. Allele origin: germline.
Comment: This sequence change creates a premature translational stop signal (p.Glu2500Asnfs*7) in the DSP gene. While this is not anticipated to result in nonsense mediated decay, it is expected to disrupt the last 372 amino acid(s) of the DSP protein. This variant is not present in population databases (gnomAD no frequency). This variant has not been reported in the literature in individuals affected with DSP-related conditions. This variant disrupts a region of the DSP protein in which other variant(s) (p.Gln2730Serfs*16) have been determined to be pathogenic (PMID: 27532257, 28527814, 36580316; internal data). This suggests that this is a clinically significant region of the protein, and that variants that disrupt it are likely to be disease-causing. For these reasons, this variant has been classified as Pathogenic.

Literature cited by the submitters: PubMed 27532257; PubMed 28527814; PubMed 36580316.

NM_004415.4(DSP):c.7498del (p.Glu2500fs)

Gene: DSP (desmoplakin; plus strand). Cytogenetic location: 6p24.3.
Variant type: Deletion.
Coding change: c.7498del on transcript NM_004415.4 (MANE Select); coding-DNA position 7498, one base deleted (G; older notation c.7498delG).
Protein change: p.Glu2500fs; shifts the reading frame from glutamic acid 2500.
Molecular consequence: frameshift variant.
Genome position (GRCh38, 1-based): chr6:7,584,760, G deleted; the last of 2 consecutive G bases (chr6:7,584,759-7,584,760); deleting either gives the same sequence. VCF-style (leftmost placement, unchanged base first): chr6-7584758-AG-A. GRCh37 (hg19) VCF-style: chr6-7584991-AG-A.
Other names: c.5701del, p.Glu1901fs (NM_001008844.3); c.6169del, p.Glu2057fs (NM_001319034.2); short protein forms E1901fs, E2057fs, E2500fs.
Identifiers: ClinVar variation 3757773 (VCV003757773.2).